The following is an entry in ClinVar:

NM_000138.5(FBN1):c.7016_7020dup (p.Thr2341fs)

Gene: FBN1 (fibrillin 1; minus strand). Cytogenetic location: 15q21.1.
Variant type: Duplication.
Coding change: c.7016_7020dup on transcript NM_000138.5 (MANE Select); coding-DNA positions 7016 to 7020, 5 bases duplicated (GCTTC; older notation c.7016_7020dupGCTTC).
Protein change: p.Thr2341fs; shifts the reading frame from threonine 2341.
Molecular consequence: frameshift variant.
Genome position (GRCh38, 1-based): chr15:48,427,751-48,427,755, GAAGC duplicated on the plus strand (GCTTC on the coding strand, the reverse complement: FBN1 is on the minus strand). VCF-style (leftmost placement, unchanged base first): chr15-48427750-T-TGAAGC. GRCh37 (hg19) VCF-style: chr15-48719947-T-TGAAGC.
Other names: short protein forms T2341fs.
Identifiers: ClinVar variation 1403711 (VCV001403711.6), dbSNP rs2141229138, ClinGen allele CA2573150960.
Genomic context (GRCh38, chr15:48,427,750, plus strand): 5'-ATTTGGTGACGGGGTTCCTGTTGCTGGAGCCGATCTGACACATGTTTTGTAGCACCTCTG[T>TGAAGC]GAAGCAGTACCCTTCCCGATTGTCTGGAAGGGACATTATATGGCAAAGGGGATGTCAGGA-3'

ClinVar aggregate classification (germline): Pathogenic (1 of 4 stars; one submission).

Conditions:
Marfan syndrome (MFS). Also called: Marfan syndrome type 1; Marfan's syndrome; FBN1-Related Marfan Syndrome; MARFAN SYNDROME, TYPE I; Marfan syndrome, classic. Identifiers: Orphanet 284963, Orphanet 558, MedGen C0024796, MONDO:0007947, OMIM 154700.
Familial thoracic aortic aneurysm and aortic dissection (TAAD). Also called: Thoracic aortic aneurysms and dissections. Identifiers: Orphanet 91387, MedGen C4707243, MONDO:0019625.

Submission:

Labcorp Genetics (formerly Invitae), Labcorp
Classification: Pathogenic for Marfan syndrome; Familial thoracic aortic aneurysm and aortic dissection. Last evaluated: 2021-04-04. Review status: criteria provided, single submitter. Criteria: Invitae Variant Classification Sherloc (09022015). Collection method: clinical testing. Allele origin: germline.
Comment: For these reasons, this variant has been classified as Pathogenic. This variant has not been reported in the literature in individuals with FBN1-related conditions. This variant is not present in population databases (ExAC no frequency). This sequence change creates a premature translational stop signal (p.Thr2341Alafs*59) in the FBN1 gene. It is expected to result in an absent or disrupted protein product. Loss-of-function variants in FBN1 are known to be pathogenic (PMID: 17657824, 19293843).

Literature cited by the submitters: PubMed 17657824; PubMed 19293843.